The following is an entry in ClinVar:

ClinVar aggregate classification (germline): Uncertain significance (1 of 4 stars; one submission).

Conditions:
Hereditary cancer-predisposing syndrome. Also called: Neoplastic Syndromes, Hereditary; Tumor predisposition; Hereditary Cancer Syndrome; Hereditary neoplastic syndrome. Identifiers: Orphanet 140162, MedGen C0027672, MeSH D009386, MONDO:0015356.

Submission:

Ambry Genetics
Classification: Uncertain significance for Hereditary cancer-predisposing syndrome. Last evaluated: 2026-07-14. Review status: criteria provided, single submitter. Criteria: Ambry Variant Classification Scheme 2023. Collection method: clinical testing. Allele origin: germline.
Comment: The p.D1677H variant (also known as c.5029G>C), located in coding exon 38 of the TSC2 gene, results from a G to C substitution at nucleotide position 5029. The aspartic acid at codon 1677 is replaced by histidine, an amino acid with similar properties. This amino acid position is highly conserved in available vertebrate species. In addition, this alteration is predicted to be deleterious by in silico analysis. Based on the available evidence, the clinical significance of this variant remains unclear.

NM_000548.5(TSC2):c.5029G>C (p.Asp1677His)

Gene: TSC2 (TSC complex subunit 2; plus strand). Cytogenetic location: 16p13.3.
Variant type: single nucleotide variant.
Coding change: c.5029G>C on transcript NM_000548.5 (MANE Select); coding-DNA position 5029, G replaced by C.
Protein change: p.Asp1677His; replaces aspartic acid 1677 with histidine.
Molecular consequence: missense variant. On other transcripts: non-coding transcript variant (5).
Genome position (GRCh38, 1-based): chr16:2,087,902, G>C. VCF-style: chr16-2087902-G-C. GRCh37 (hg19) VCF-style: chr16-2137903-G-C.
Other names: c.4828G>C, p.Asp1610His (NM_001077183.3); c.4960G>C, p.Asp1654His (NM_001114382.3); c.4720G>C, p.Asp1574His (NM_001318827.2); c.4684G>C, p.Asp1562His (NM_001318829.2); c.4297G>C, p.Asp1433His (NM_001318831.2); c.4861G>C, p.Asp1621His (NM_001318832.2); c.4831G>C, p.Asp1611His (NM_001363528.2); c.4897G>C, p.Asp1633His (NM_001370404.1); and 26 more; short protein forms D1454H, D1457H, D1477H, D1561H, D1562H, D1573H, D1574H, D1591H.
Identifiers: ClinVar variation 3232183 (VCV003232183.2), dbSNP rs1163037065, ClinGen allele CA394311293.
Genomic context (GRCh38, chr16:2,087,902, plus strand): 5'-CCCTTTCTCTTGTCCGGGCAGGGCCAGTTCAACTTTGTCCACGTGATCGTCACCCCGCTG[G>C]ACTACGAGTGCAACCTGGTGTCCCTGCAGTGCAGGAAAGGTAGGGCCGGGTGGGGCCCTG-3'
Protein context (NP_000539.2, residues 1667-1687): NFVHVIVTPL[Asp1677His]YECNLVSLQC